The following is an entry in ClinVar:

NM_000038.6(APC):c.1548+1G>C

Gene: APC (APC regulator of Wnt signaling pathway; plus strand). Cytogenetic location: 5q22.2.
Variant type: single nucleotide variant.
Coding change: c.1548+1G>C on transcript NM_000038.6 (MANE Select); the canonical splice donor site of the intron after coding-DNA position 1548, G replaced by C.
Molecular consequence: splice donor variant.
Genome position (GRCh38, 1-based): chr5:112,827,248, G>C. VCF-style: chr5-112827248-G-C. GRCh37 (hg19) VCF-style: chr5-112162945-G-C.
Other names: c.1632+1G>C (NM_001407446.1); c.1578+1G>C (NM_001354897.2); c.1275+1G>C (NM_001354902.2); c.1494+1G>C (NM_001127511.3); c.1602+1G>C (NM_001407448.1, NM_001407449.1, NM_001354896.2 and 1 more transcripts); c.1548+1G>C (NM_001407450.1, NM_001127510.3, NM_001354895.2); c.1299+1G>C (NM_001407457.1, NM_001407455.1, NM_001407454.1 and 1 more transcripts); c.1245+1G>C (NM_001407458.1, NM_001407459.1, NM_001354903.2 and 1 more transcripts); and 11 more.
Identifiers: ClinVar variation 428181 (VCV000428181.12), dbSNP rs1114167599, ClinGen allele CA360619893.

ClinVar aggregate classification (germline): Pathogenic. Review status: criteria provided, multiple submitters, no conflicts (2 of 4 stars). 4 submissions from 4 submitters: Pathogenic (4). Last evaluated 2026-02-25.

Conditions:
Familial adenomatous polyposis 1 (FAP1). Also called: FAMILIAL ADENOMATOUS POLYPOSIS 1, ATTENUATED; POLYPOSIS, ADENOMATOUS INTESTINAL. Identifiers: MedGen C2713442, MONDO:0021056, OMIM 175100. Disease mechanism: loss of function.
Hereditary cancer-predisposing syndrome. Also called: Tumor predisposition; Hereditary Cancer Syndrome; Neoplastic Syndromes, Hereditary; Hereditary neoplastic syndrome. Identifiers: Orphanet 140162, MedGen C0027672, MeSH D009386, MONDO:0015356.

Submissions (4):

Myriad Genetics, Inc.
Classification: Pathogenic for Familial adenomatous polyposis 1. Last evaluated: 2026-02-25. Review status: criteria provided, single submitter. Criteria: Myriad Autosomal Dominant, Autosomal Recessive and X-Linked Classification Criteria (2023). Collection method: clinical testing. Allele origin: unknown.
Comment: This variant is considered pathogenic. This variant occurs within a consensus splice junction and is predicted to result in abnormal mRNA splicing of either an out-of-frame exon or an in-frame exon necessary for protein stability and/or normal function.

Ambry Genetics
Classification: Pathogenic for Hereditary cancer-predisposing syndrome. Last evaluated: 2026-02-02. Review status: criteria provided, single submitter. Criteria: Ambry Variant Classification Scheme 2023. Collection method: clinical testing. Allele origin: germline.
Comment: The c.1548+1G>C intronic pathogenic mutation results from a G to C substitution one nucleotide after coding exon 11 of the APC gene. This variant was reported in individual(s) with features consistent with familial adenomatous polyposis (Ambry internal data). This variant is considered to be rare based on population cohorts in the Genome Aggregation Database (gnomAD). This nucleotide position is highly conserved in available vertebrate species. In silico splice site analysis predicts that this alteration will weaken the native splice donor site and will result in the creation or strengthening of a novel splice donor site. Variants that disrupt the canonical splice site are expected to cause aberrant splicing, resulting in an abnormal protein or a transcript that is subject to nonsense-mediated mRNA decay. As such, this variant is classified as a disease-causing mutation.

Molecular Diagnostics Laboratory, Catalan Institute of Oncology
Classification: Pathogenic for Hereditary cancer-predisposing syndrome. Last evaluated: 2025-03-05. Review status: criteria provided, single submitter. Criteria: ClinGen ACMG Specifications APC V1.0.0. Collection method: clinical testing. Allele origin: germline.
Comment: PVS1, PS1_Supporting, PM2_Supporting c.1548+1G>C, located in a canonic splicing site of the APC gene is predicted to alter splicing (PVS1). It is not present in the population database gnomAD v2.1.1, non cancer dataset (PM2_Supporting). SpliceAI predicts, with a significant score, that the variant abolishes the splicing donor site in intron 12. To our knowledge, functional studies have not been reported for this variant. It has been reported in ClinVar (2x pathogenic) and LOVD (1x not classified) databases. This variant has similar in silico predictions compared to another splicing variant at that same nucleotide position (c.1548+1G>A ) classified as pathogenic (PS1_Supporting). Based on currently available information, the variant c.1548+1G>C is classified as a pathogenic variant according to ClinGen-APC Guidelines version 1.

Eurofins Ntd Llc (ga)
Classification: Pathogenic. Last evaluated: 2016-10-27. Review status: criteria provided, single submitter. Criteria: EGL Classification Definitions 2015. Collection method: clinical testing. Allele origin: germline. Observed: 2 variant alleles, 2 heterozygotes.